The following is an entry in ClinVar:

ClinVar aggregate classification (germline): Uncertain significance (1 of 4 stars; one submission).

Allele frequency attached by ClinVar (database versions not stated): ExAC 0.00004.
gnomAD v4.1: 7 of 1,555,288 alleles (0.00045%); highest among the groups gnomAD compares: South Asian, 0.0012%; no homozygotes.

Submission:

Labcorp Genetics (formerly Invitae), Labcorp
Classification: Uncertain significance. Last evaluated: 2023-10-05. Review status: criteria provided, single submitter. Criteria: Invitae Variant Classification Sherloc (09022015). Collection method: clinical testing. Allele origin: germline.
Comment: This sequence change replaces serine, which is neutral and polar, with asparagine, which is neutral and polar, at codon 66 of the LEMD3 protein (p.Ser66Asn). The frequency data for this variant in the population databases is considered unreliable, as metrics indicate poor data quality at this position in the gnomAD database. This variant has not been reported in the literature in individuals affected with LEMD3-related conditions. Advanced modeling of protein sequence and biophysical properties (such as structural, functional, and spatial information, amino acid conservation, physicochemical variation, residue mobility, and thermodynamic stability) performed at Invitae indicates that this missense variant is not expected to disrupt LEMD3 protein function. In summary, the available evidence is currently insufficient to determine the role of this variant in disease. Therefore, it has been classified as a Variant of Uncertain Significance.

NM_014319.5(LEMD3):c.197G>A (p.Ser66Asn)

Gene: LEMD3 (LEM domain containing 3; plus strand). Cytogenetic location: 12q14.3.
Variant type: single nucleotide variant.
Coding change: c.197G>A on transcript NM_014319.5 (MANE Select); coding-DNA position 197, G replaced by A.
Protein change: p.Ser66Asn; replaces serine 66 with asparagine.
Molecular consequence: missense variant.
Genome position (GRCh38, 1-based): chr12:65,169,793, G>A. VCF-style: chr12-65169793-G-A. GRCh37 (hg19) VCF-style: chr12-65563573-G-A.
Other names: c.197G>A, p.Ser66Asn (NM_001167614.2); short protein forms S66N.
Identifiers: ClinVar variation 2887881 (VCV002887881.3), dbSNP rs765645790, ClinGen allele CA6670692.